The following is an entry in ClinVar:

ClinVar aggregate classification (germline): Uncertain significance (0 of 4 stars; one submission).

Conditions:
CREBBP-related disorder. Also called: CREBBP-related condition; CREBBP-related disorders.

gnomAD v4.1: 3 of 1,614,020 alleles (0.00019%); highest among the groups gnomAD compares: Non-Finnish European, 0.00025%; no homozygotes.

Submission:

PreventionGenetics, part of Exact Sciences
Classification: Uncertain significance for CREBBP-related condition. Last evaluated: 2023-11-22. Review status: no assertion criteria provided. Collection method: clinical testing. Allele origin: germline.
Comment: The CREBBP c.2615C>G variant is predicted to result in the amino acid substitution p.Thr872Arg. To our knowledge, this variant has not been reported in the literature or in a large population database, indicating this variant is rare. At this time, the clinical significance of this variant is uncertain due to the absence of conclusive functional and genetic evidence.

NM_004380.3(CREBBP):c.2615C>G (p.Thr872Arg)

Gene: CREBBP (CREB binding lysine acetyltransferase; minus strand). Cytogenetic location: 16p13.3.
Variant type: single nucleotide variant.
Coding change: c.2615C>G on transcript NM_004380.3 (MANE Select); coding-DNA position 2615, C replaced by G.
Protein change: p.Thr872Arg; replaces threonine 872 with arginine.
Molecular consequence: missense variant.
Genome position (GRCh38, 1-based): chr16:3,770,835, G>C on the plus strand (C>G on the coding strand, the complement: CREBBP is on the minus strand). VCF-style: chr16-3770835-G-C. GRCh37 (hg19) VCF-style: chr16-3820836-G-C.
Other names: c.2501C>G, p.Thr834Arg (NM_001079846.1); short protein forms T834R, T872R.
Identifiers: ClinVar variation 3350190 (VCV003350190.1).
Genomic context (GRCh38, chr16:3,770,835, plus strand): 5'-ACAGGAGTTGATGGCTGAGTGGGAGCTGCTGGCTGGGGAGGAGTCATCCCAGGTGGTGTC[G>C]TGTGCTGGAGAGATGGCATGCCAGCAGCCGTGGAAGCAGGAGGCGGTGTTGGGTGCAGTG-3'
Protein context (NP_004371.2, residues 862-882): TAAGMPSLQH[Thr872Arg]TPPGMTPPQP